The following is an entry in ClinVar:

NM_031935.3(HMCN1):c.8509C>T (p.Arg2837Trp)

Gene: HMCN1 (hemicentin 1; plus strand). Cytogenetic location: 1q31.1.
Variant type: single nucleotide variant.
Coding change: c.8509C>T on transcript NM_031935.3 (MANE Select); coding-DNA position 8509, C replaced by T.
Protein change: p.Arg2837Trp; replaces arginine 2837 with tryptophan.
Molecular consequence: missense variant.
Genome position (GRCh38, 1-based): chr1:186,078,130, C>T. VCF-style: chr1-186078130-C-T. GRCh37 (hg19) VCF-style: chr1-186047262-C-T.
Other names: short protein forms R2837W.
Identifiers: ClinVar variation 719894 (VCV000719894.15), dbSNP rs74136012, ClinGen allele CA1293152.

ClinVar aggregate classification (germline): Benign. Review status: criteria provided, multiple submitters, no conflicts (2 of 4 stars). 4 submissions from 4 submitters: Benign (4). Last evaluated 2026-01-29.

Conditions:
Age related macular degeneration 1 (ARMD1). Also called: MACULOPATHY, AGE-RELATED, 1. Identifiers: MedGen C1864205, MONDO:0011285, OMIM 603075.

Allele frequency attached by ClinVar (database versions not stated): gnomAD exomes 0.00085 and 0.00225; ExAC 0.00284; 1000 Genomes Project 0.00859; gnomAD 0.00903 and 0.00984; 1000 Genomes Project 30x 0.00953; TOPMed 0.01029; ESP Exome Variant Server 0.01123.
gnomAD v4.1: 2,662 of 1,613,504 alleles (0.16%); highest among the groups gnomAD compares: African/African-American, 3.1%; 36 homozygotes.

Submissions (4):

Labcorp Genetics (formerly Invitae), Labcorp
Classification: Benign. Last evaluated: 2026-01-29. Review status: criteria provided, single submitter. Criteria: Invitae Variant Classification Sherloc (09022015). Collection method: clinical testing. Allele origin: germline.

Genome-Nilou Lab
Classification: Benign for Age related macular degeneration 1. Last evaluated: 2023-04-11. Review status: criteria provided, single submitter. Criteria: ACMG Guidelines, 2015. Collection method: clinical testing. Allele origin: germline. Affected: no.

Illumina Laboratory Services, Illumina
Classification: Benign for Age related macular degeneration 1. Last evaluated: 2018-01-13. Review status: criteria provided, single submitter. Criteria: ICSL Variant Classification Criteria 13 December 2019. Collection method: clinical testing. Allele origin: germline.
Comment: This variant was observed in the ICSL laboratory as part of a predisposition screen in an ostensibly healthy population. It had not been previously curated by ICSL or reported in the Human Gene Mutation Database (HGMD: prior to June 1st, 2018), and was therefore a candidate for classification through an automated scoring system. Utilizing variant allele frequency, disease prevalence and penetrance estimates, and inheritance mode, an automated score was calculated to assess if this variant is too frequent to cause the disease. Based on the score and internal cut-off values, a variant classified as benign is not then subjected to further curation. The score for this variant resulted in a classification of benign for this disease.

Breakthrough Genomics
Classification: Benign. Review status: criteria provided, single submitter. Criteria: ACMG Guidelines, 2015. Collection method: not provided. Allele origin: germline. Inheritance: Autosomal dominant inheritance. Affected: yes.